The following is an entry in ClinVar:

NM_001715.3(BLK):c.1029+6T>G

Genes: BLK (BLK proto-oncogene, Src family tyrosine kinase), BLK-AS1 (BLK antisense RNA 1). Cytogenetic location: 8p23.1.
Variant type: single nucleotide variant.
Coding change: c.1029+6T>G on transcript NM_001715.3 (MANE Select); 6 bases into the intron after coding-DNA position 1029, T replaced by G.
Molecular consequence: intron variant.
Genome position (GRCh38, 1-based): chr8:11,558,044, T>G. VCF-style: chr8-11558044-T-G. GRCh37 (hg19) VCF-style: chr8-11415553-T-G.
Other names: c.816+6T>G (NM_001330465.2).
Identifiers: ClinVar variation 4978215 (VCV004978215.1).
Genomic context (GRCh38, chr8:11,558,044, plus strand): 5'-GACAGATGAAGGGAGCAGATTGTCACTCCCAAGGCTGATTGACATGTCGGCGCAGGTTGG[T>G]GAAGTACCAGGTGCAGAGAAAGGGCGGCATGTGCCACCTGCTGCCCACAATGGCTGCTCG-3'

ClinVar aggregate classification (germline): Uncertain significance (1 of 4 stars; one submission).

Conditions:
BLK-related disorder. Also called: BLK-related condition.

gnomAD v4.1: 25 of 1,613,910 alleles (0.0015%); highest among the groups gnomAD compares: East Asian, 0.0089%; no homozygotes.

Submission:

PreventionGenetics, part of Exact Sciences
Classification: Uncertain significance for BLK-related condition. Last evaluated: 2024-10-07. Review status: criteria provided, single submitter. Criteria: ACMG Guidelines, 2015. Collection method: clinical testing. Allele origin: germline.
Comment: The BLK c.1029+6T>G variant is predicted to interfere with splicing. To our knowledge, this variant has not been reported in the literature. This variant is reported in 0.022% of alleles in individuals of East Asian descent in gnomAD. At this time, the clinical significance of this variant is uncertain due to the absence of conclusive functional and genetic evidence.